The following is an entry in ClinVar:

NM_000222.3(KIT):c.1331C>T (p.Pro444Leu)

Gene: KIT (KIT proto-oncogene, receptor tyrosine kinase; plus strand). Cytogenetic location: 4q12.
Variant type: single nucleotide variant.
Coding change: c.1331C>T on transcript NM_000222.3 (MANE Select); coding-DNA position 1331, C replaced by T.
Protein change: p.Pro444Leu; replaces proline 444 with leucine.
Molecular consequence: missense variant.
Genome position (GRCh38, 1-based): chr4:54,723,683, C>T. VCF-style: chr4-54723683-C-T. GRCh37 (hg19) VCF-style: chr4-55589849-C-T.
Other names: c.1334C>T, p.Pro445Leu (NM_001385292.1, NM_001385284.1, NM_001385288.1 and 1 more transcripts); c.1331C>T, p.Pro444Leu (NM_001093772.2, NM_001385285.1, NM_001385286.1); short protein forms P444L, P445L.
Identifiers: ClinVar variation 1519229 (VCV001519229.10), dbSNP rs774389709, ClinGen allele CA2923455.
Genomic context (GRCh38, chr4:54,723,683, plus strand): 5'-GCATGCTCCAATGTGTGGCAGCAGGATTCCCAGAGCCCACAATAGATTGGTATTTTTGTC[C>T]AGGAACTGAGCAGAGGTGAGATGATTATTTTTGGCACTGCTTATAATGCAGAGGGGAAGG-3'
Protein context (NP_000213.1, residues 434-454): PEPTIDWYFC[Pro444Leu]GTEQRCSASV

ClinVar aggregate classification (germline): Uncertain significance. Review status: criteria provided, multiple submitters, no conflicts (2 of 4 stars). 3 submissions from 3 submitters: Uncertain significance (3). Last evaluated 2026-01-05.

Conditions:
Hereditary cancer-predisposing syndrome. Also called: Tumor predisposition; Neoplastic Syndromes, Hereditary; Hereditary Cancer Syndrome; Hereditary neoplastic syndrome. Identifiers: Orphanet 140162, MedGen C0027672, MeSH D009386, MONDO:0015356.
Gastrointestinal stromal tumor. Also called: Gastrointestinal stromal tumor, somatic; Gastrointestinal stroma tumor. Identifiers: Orphanet 44890, MedGen C0238198, MeSH D046152, MONDO:0011719, OMIM 606764, HP:0100723.

Allele frequency attached by ClinVar (database versions not stated): gnomAD exomes below 0.00001; ExAC 0.00001.
gnomAD v4.1: 4 of 1,609,182 alleles (0.00025%); highest among the groups gnomAD compares: Non-Finnish European, 0.00026%; no homozygotes.

Submissions (3):

Labcorp Genetics (formerly Invitae), Labcorp
Classification: Uncertain significance for Gastrointestinal stromal tumor. Last evaluated: 2026-01-05. Review status: criteria provided, single submitter. Criteria: Invitae Variant Classification Sherloc (09022015). Collection method: clinical testing. Allele origin: germline.
Comment: This sequence change replaces proline, which is neutral and non-polar, with leucine, which is neutral and non-polar, at codon 444 of the KIT protein (p.Pro444Leu). This variant is present in population databases (rs774389709, gnomAD 0.0009%). This variant has not been reported in the literature in individuals affected with KIT-related conditions. ClinVar contains an entry for this variant (Variation ID: 1519229). An algorithm developed to predict the effect of missense changes on protein structure and function outputs the following: PolyPhen-2: "Benign". The leucine amino acid residue is found in multiple mammalian species, which suggests that this missense change does not adversely affect protein function. In summary, the available evidence is currently insufficient to determine the role of this variant in disease. Therefore, it has been classified as a Variant of Uncertain Significance.

Ambry Genetics
Classification: Uncertain significance for Hereditary cancer-predisposing syndrome. Last evaluated: 2023-11-22. Review status: criteria provided, single submitter. Criteria: Ambry Variant Classification Scheme 2023. Collection method: clinical testing. Allele origin: germline.
Comment: The p.P444L variant (also known as c.1331C>T), located in coding exon 8 of the KIT gene, results from a C to T substitution at nucleotide position 1331. The proline at codon 444 is replaced by leucine, an amino acid with similar properties. This amino acid position is not well conserved in available vertebrate species. In addition, this alteration is predicted to be tolerated by in silico analysis. Since supporting evidence is limited at this time, the clinical significance of this alteration remains unclear.

Baylor Genetics
Classification: Uncertain significance for Gastrointestinal stromal tumor. Last evaluated: 2023-07-11. Review status: criteria provided, single submitter. Criteria: ACMG Guidelines, 2015. Collection method: clinical testing. Allele origin: unknown.